The following is an entry in ClinVar:

NM_005356.5(LCK):c.1201A>T (p.Lys401Ter)

Gene: LCK (LCK proto-oncogene, Src family tyrosine kinase; plus strand). Cytogenetic location: 1p35.2.
Variant type: single nucleotide variant.
Coding change: c.1201A>T on transcript NM_005356.5 (MANE Select); coding-DNA position 1201, A replaced by T.
Protein change: p.Lys401Ter; replaces lysine 401 with a stop codon.
Molecular consequence: nonsense.
Genome position (GRCh38, 1-based): chr1:32,280,084, A>T. VCF-style: chr1-32280084-A-T. GRCh37 (hg19) VCF-style: chr1-32745685-A-T.
Other names: c.1201A>T, p.Lys401Ter (NM_001042771.3); c.1048A>T, p.Lys350Ter (NM_001330468.2); short protein forms K350*, K401*.
Identifiers: ClinVar variation 847660 (VCV000847660.9), dbSNP rs1640406042, ClinGen allele CA339642782.

ClinVar aggregate classification (germline): Pathogenic (1 of 4 stars; one submission).

Conditions:
Severe combined immunodeficiency due to LCK deficiency. Also called: Immunodeficiency 22. Identifiers: Orphanet 280142, MedGen C4014233, MONDO:0014334, OMIM 615758.

Submission:

Labcorp Genetics (formerly Invitae), Labcorp
Classification: Pathogenic for Severe combined immunodeficiency due to LCK deficiency. Last evaluated: 2022-09-19. Review status: criteria provided, single submitter. Criteria: Invitae Variant Classification Sherloc (09022015). Collection method: clinical testing. Allele origin: germline.
Comment: For these reasons, this variant has been classified as Pathogenic. This sequence change creates a premature translational stop signal (p.Lys401*) in the LCK gene. It is expected to result in an absent or disrupted protein product. Loss-of-function variants in LCK are known to be pathogenic (PMID: 22985903, 27087313). This variant is not present in population databases (gnomAD no frequency). This variant has not been reported in the literature in individuals affected with LCK-related conditions. ClinVar contains an entry for this variant (Variation ID: 847660). Algorithms developed to predict the effect of sequence changes on RNA splicing suggest that this variant may create or strengthen a splice site.

Literature cited by the submitters: PubMed 22985903; PubMed 27087313.